The following is an entry in ClinVar:

ClinVar aggregate classification (germline): Benign/Likely benign. Review status: criteria provided, multiple submitters, no conflicts (2 of 4 stars). 7 submissions from 7 submitters: Benign (4); Likely benign (3). Last evaluated 2026-05-11.

Conditions:
Inborn genetic diseases. Identifiers: MedGen C0950123, MeSH D030342.
KBG syndrome (KBGS). Also called: ANKRD11-Related KBG Syndrome. Identifiers: Orphanet 2332, MedGen C0220687, MONDO:0007846, OMIM 148050.

Allele frequency attached by ClinVar (database versions not stated): gnomAD exomes 0.00190; ExAC 0.00231; gnomAD 0.00807 and 0.00879; ESP Exome Variant Server 0.00886; 1000 Genomes Project 0.00899; 1000 Genomes Project 30x 0.00906; TOPMed 0.00921.
gnomAD v4.1: 2,447 of 1,612,880 alleles (0.15%); highest among the groups gnomAD compares: African/African-American, 2.9%; 30 homozygotes.

Submissions (7):

Women's Health and Genetics/Laboratory Corporation of America, LabCorp
Classification: Likely benign. Last evaluated: 2026-05-11. Review status: criteria provided, single submitter. Criteria: LabCorp Variant Classification Summary - May 2015. Collection method: clinical testing. Allele origin: germline.

Labcorp Genetics (formerly Invitae), Labcorp
Classification: Benign for KBG syndrome. Last evaluated: 2026-01-27. Review status: criteria provided, single submitter. Criteria: Invitae Variant Classification Sherloc (09022015). Collection method: clinical testing. Allele origin: germline.

Athena Diagnostics
Classification: Benign. Last evaluated: 2024-12-30. Review status: criteria provided, single submitter. Criteria: Athena Diagnostics Criteria. Collection method: clinical testing. Allele origin: unknown.
Comment: The frequency of this variant in the general population is higher than would generally be expected for pathogenic variants in this gene. Computational tools predict this amino acid change may be benign.

Genome-Nilou Lab
Classification: Benign for KBG syndrome. Last evaluated: 2021-12-05. Review status: criteria provided, single submitter. Criteria: ACMG Guidelines, 2015. Collection method: clinical testing. Allele origin: germline. Affected: no.

GeneDx
Classification: Likely benign. Last evaluated: 2021-02-05. Review status: criteria provided, single submitter. Criteria: GeneDx Variant Classification Process June 2021. Collection method: clinical testing. Allele origin: germline. Affected: yes.

Ambry Genetics
Classification: Benign for Inborn genetic diseases. Last evaluated: 2016-10-07. Review status: criteria provided, single submitter. Criteria: Ambry Variant Classification Scheme 2023. Collection method: clinical testing. Allele origin: germline.

Breakthrough Genomics
Classification: Likely benign. Review status: criteria provided, single submitter. Criteria: ACMG Guidelines, 2015. Collection method: not provided. Allele origin: germline. Inheritance: Autosomal dominant inheritance. Affected: yes.

Literature cited by the submitters: PubMed 35970914 (cited by Athena Diagnostics).

NM_013275.6(ANKRD11):c.6497T>G (p.Met2166Arg)

Gene: ANKRD11 (ankyrin repeat domain 11; minus strand). Cytogenetic location: 16q24.3.
Variant type: single nucleotide variant.
Coding change: c.6497T>G on transcript NM_013275.6 (MANE Select); coding-DNA position 6497, T replaced by G.
Protein change: p.Met2166Arg; replaces methionine 2166 with arginine.
Molecular consequence: missense variant.
Genome position (GRCh38, 1-based): chr16:89,280,045, A>C on the plus strand (T>G on the coding strand, the complement: ANKRD11 is on the minus strand). VCF-style: chr16-89280045-A-C. GRCh37 (hg19) VCF-style: chr16-89346453-A-C.
Other names: c.6497T>G, p.Met2166Arg (NM_001256182.2, NM_001256183.2); c.6497T>G (NM_001256182.1); short protein forms M2166R.
Identifiers: ClinVar variation 588320 (VCV000588320.22), dbSNP rs74033733, ClinGen allele CA8241424.